The following is an entry in ClinVar:

ClinVar aggregate classification (germline): Uncertain significance (1 of 4 stars; one submission).

gnomAD v4.1: 9 of 1,614,042 alleles (0.00056%); highest among the groups gnomAD compares: African/African-American, 0.004%; no homozygotes.

Submission:

Labcorp Genetics (formerly Invitae), Labcorp
Classification: Uncertain significance. Last evaluated: 2025-07-24. Review status: criteria provided, single submitter. Criteria: Invitae Variant Classification Sherloc (09022015). Collection method: clinical testing. Allele origin: germline.
Comment: This sequence change replaces lysine, which is basic and polar, with glutamic acid, which is acidic and polar, at codon 2946 of the VCAN protein (p.Lys2946Glu). This variant is present in population databases (no rsID available, gnomAD 0.01%). This variant has not been reported in the literature in individuals affected with VCAN-related conditions. An algorithm developed to predict the effect of missense changes on protein structure and function outputs the following: PolyPhen-2: "Benign". The glutamic acid amino acid residue is found in multiple mammalian species, which suggests that this missense change does not adversely affect protein function. In summary, the available evidence is currently insufficient to determine the role of this variant in disease. Therefore, it has been classified as a Variant of Uncertain Significance.

NM_004385.5(VCAN):c.8836A>G (p.Lys2946Glu)

Genes: VCAN (versican; plus strand), VCAN-AS1 (VCAN antisense RNA 1; minus strand). Cytogenetic location: 5q14.3.
Variant type: single nucleotide variant.
Coding change: c.8836A>G on transcript NM_004385.5 (MANE Select); coding-DNA position 8836, A replaced by G.
Protein change: p.Lys2946Glu; replaces lysine 2946 with glutamic acid.
Molecular consequence: missense variant. On other transcripts: intron variant (2).
Genome position (GRCh38, 1-based): chr5:83,541,839, A>G. VCF-style: chr5-83541839-A-G. GRCh37 (hg19) VCF-style: chr5-82837658-A-G.
Other names: c.5875A>G, p.Lys1959Glu (NM_001164097.2); c.4004-3698A>G (NM_001164098.2); c.1043-3698A>G (NM_001126336.3); short protein forms K1959E, K2946E.
Identifiers: ClinVar variation 4774522 (VCV004774522.1).